The following is an entry in ClinVar:

ClinVar aggregate classification (germline): Likely benign. Review status: criteria provided, multiple submitters, no conflicts (2 of 4 stars). 4 submissions from 4 submitters: Likely benign (4). Last evaluated 2025-10-21.

Conditions:
Hereditary cancer-predisposing syndrome. Also called: Neoplastic Syndromes, Hereditary; Hereditary neoplastic syndrome; Tumor predisposition; Hereditary Cancer Syndrome. Identifiers: Orphanet 140162, MedGen C0027672, MeSH D009386, MONDO:0015356.
Hereditary diffuse gastric adenocarcinoma (HDGC). Also called: DIFFUSE GASTRIC AND LOBULAR BREAST CANCER SYNDROME. Identifiers: Orphanet 26106, MedGen C1708349, MONDO:0007648, OMIM 137215.

Allele frequency attached by ClinVar (database versions not stated): gnomAD exomes below 0.00001.
gnomAD v4.1: 3 of 1,600,386 alleles (0.00019%); highest among the groups gnomAD compares: Non-Finnish European, 0.00026%; no homozygotes.

Submissions (4):

Color Diagnostics, LLC DBA Color Health
Classification: Likely benign for Hereditary cancer-predisposing syndrome. Last evaluated: 2025-10-21. Review status: criteria provided, single submitter. Criteria: ACMG Guidelines, 2015. Collection method: clinical testing. Allele origin: germline.

Labcorp Genetics (formerly Invitae), Labcorp
Classification: Likely benign for Hereditary diffuse gastric adenocarcinoma. Last evaluated: 2025-07-25. Review status: criteria provided, single submitter. Criteria: Invitae Variant Classification Sherloc (09022015). Collection method: clinical testing. Allele origin: germline.

Ambry Genetics
Classification: Likely benign for Hereditary cancer-predisposing syndrome. Last evaluated: 2022-11-30. Review status: criteria provided, single submitter. Criteria: Ambry Variant Classification Scheme 2023. Collection method: clinical testing. Allele origin: germline.

GeneDx
Classification: Likely benign. Last evaluated: 2016-08-11. Review status: criteria provided, single submitter. Criteria: GeneDx Variant Classification (06012015). Collection method: clinical testing. Allele origin: germline. Affected: yes.
Comment: This variant is considered likely benign or benign based on one or more of the following criteria: it is a conservative change, it occurs at a poorly conserved position in the protein, it is predicted to be benign by multiple in silico algorithms, and/or has population frequency not consistent with disease.

NM_004360.5(CDH1):c.1937-4C>G

Gene: CDH1 (cadherin 1; plus strand). Cytogenetic location: 16q22.1.
Variant type: single nucleotide variant.
Coding change: c.1937-4C>G on transcript NM_004360.5 (MANE Select); 4 bases into the intron before coding-DNA position 1937, C replaced by G.
Molecular consequence: intron variant.
Genome position (GRCh38, 1-based): chr16:68,823,395, C>G. VCF-style: chr16-68823395-C-G. GRCh37 (hg19) VCF-style: chr16-68857298-C-G.
Other names: c.389-4C>G (NM_001317185.2); c.-29-4C>G (NM_001317186.2); c.1754-4C>G (NM_001317184.2); c.1937-4C>G (LRG_301t1).
Identifiers: ClinVar variation 388561 (VCV000388561.16), dbSNP rs1057523153, ClinGen allele CA16607064.
Genomic context (GRCh38, chr16:68,823,395, plus strand): 5'-TTCTGGAATGAGCTTTTTATTTTCCTCCCCTGGTCTCATCATTTCTTTTTATTGCTTTCT[C>G]CAGCCCAAGAATCTATCATTTTGAAGCCAAAGATGGCCTTAGAGGTGGGTGACTACAAAA-3'